The following is an entry in ClinVar:

ClinVar aggregate classification (germline): Uncertain significance (1 of 4 stars; one submission).

Conditions:
Hyper-IgE recurrent infection syndrome 3, autosomal recessive. Also called: Autosomal recessive hyper-IgE syndrome due to ZNF341 deficiency; HYPER-IgE SYNDROME 3, AUTOSOMAL RECESSIVE, WITH RECURRENT INFECTIONS. Identifiers: Orphanet 641368, MedGen C4748969, MONDO:0032654, OMIM 618282.

Submission:

Labcorp Genetics (formerly Invitae), Labcorp
Classification: Uncertain significance for Combined immunodeficiency due to DOCK8 deficiency. Last evaluated: 2021-07-15. Review status: criteria provided, single submitter. Criteria: Invitae Variant Classification Sherloc (09022015). Collection method: clinical testing. Allele origin: germline.
Comment: In summary, the available evidence is currently insufficient to determine the role of this variant in disease. Therefore, it has been classified as a Variant of Uncertain Significance. Experimental studies and prediction algorithms are not available or were not evaluated, and the functional significance of this variant is currently unknown. This variant has not been reported in the literature in individuals affected with DOCK8-related conditions. This sequence change is a complex rearrangement involving exons 40-48 that results in the duplication of exons 42-48. The exact nature of this event is unknown.

NC_000009.11:g.(?_441875)_(464219_?)dup

Gene: DOCK8 (dedicator of cytokinesis 8; plus strand). Cytogenetic location: 9p24.3.
Variant type: Duplication.
Identifiers: ClinVar variation 1377203 (VCV001377203.8).